The following is an entry in ClinVar:

ClinVar aggregate classification (germline): Uncertain significance (1 of 4 stars; one submission).

Conditions:
Hereditary pancreatitis (PCTT). Also called: Hereditary chronic pancreatitis; PRSS1-Related Hereditary Pancreatitis. Identifiers: Orphanet 676, MedGen C0238339, MONDO:0008185, OMIM 167800.

Submission:

Ambry Genetics
Classification: Uncertain significance for Hereditary pancreatitis. Last evaluated: 2023-11-05. Review status: criteria provided, single submitter. Criteria: Ambry Variant Classification Scheme 2023. Collection method: clinical testing. Allele origin: germline.
Comment: The p.E96Q variant (also known as c.286G>C), located in coding exon 4 of the CTRC gene, results from a G to C substitution at nucleotide position 286. The glutamic acid at codon 96 is replaced by glutamine, an amino acid with highly similar properties. This amino acid position is conserved. In addition, the in silico prediction for this alteration is inconclusive. Since supporting evidence is limited at this time, the clinical significance of this alteration remains unclear.

NM_007272.3(CTRC):c.286G>C (p.Glu96Gln)

Gene: CTRC (chymotrypsin C; plus strand). Cytogenetic location: 1p36.21.
Variant type: single nucleotide variant.
Coding change: c.286G>C on transcript NM_007272.3 (MANE Select); coding-DNA position 286, G replaced by C.
Protein change: p.Glu96Gln; replaces glutamic acid 96 with glutamine.
Molecular consequence: missense variant.
Genome position (GRCh38, 1-based): chr1:15,442,502, G>C. VCF-style: chr1-15442502-G-C. GRCh37 (hg19) VCF-style: chr1-15768998-G-C.
Other names: short protein forms E96Q.
Identifiers: ClinVar variation 3226061 (VCV003226061.1), dbSNP rs144286923, ClinGen allele CA338565441.
Genomic context (GRCh38, chr1:15,442,502, plus strand): 5'-CCCAGCAACACCCGGACCTACCGTGTGGCCGTGGGAAAGAACAACCTGGAGGTGGAAGAC[G>C]AAGAAGGATCCCTGTTTGTGGGTGTGGACACCATCCACGTCCACAAGAGATGGAATGCCC-3'
Protein context (NP_009203.2, residues 86-106): VGKNNLEVED[Glu96Gln]EGSLFVGVDT